The following is an entry in ClinVar:

ClinVar aggregate classification (germline): Uncertain significance. Review status: criteria provided, multiple submitters, no conflicts (2 of 4 stars). 2 submissions from 2 submitters: Uncertain significance (2). Last evaluated 2025-03-17.

Conditions:
Deficiency of butyryl-CoA dehydrogenase (ACADSD). Also called: SCAD DEFICIENCY, MILD; ACADS DEFICIENCY; Short-Chain Acyl-CoA Dehydrogenase Deficiency; ACYL-CoA DEHYDROGENASE, SHORT-CHAIN, DEFICIENCY OF; SCADH DEFICIENCY; SCAD Deficiency. Identifiers: Orphanet 26792, MedGen C0342783, MONDO:0008722, OMIM 201470. Disease mechanism: May be benign.

Allele frequency attached by ClinVar (database versions not stated): gnomAD 0.00001 and 0.00003; gnomAD exomes 0.00001 and 0.00002; TOPMed 0.00001; ExAC 0.00002; 1000 Genomes Project 30x 0.00031; 1000 Genomes Project 0.00040.

Submissions (2):

Labcorp Genetics (formerly Invitae), Labcorp
Classification: Uncertain significance for Deficiency of butyryl-CoA dehydrogenase. Last evaluated: 2025-03-17. Review status: criteria provided, single submitter. Criteria: Invitae Variant Classification Sherloc (09022015). Collection method: clinical testing. Allele origin: germline.
Comment: This sequence change replaces threonine, which is neutral and polar, with methionine, which is neutral and non-polar, at codon 201 of the ACADS protein (p.Thr201Met). This variant is present in population databases (rs151059234, gnomAD 0.003%). This variant has not been reported in the literature in individuals affected with ACADS-related conditions. ClinVar contains an entry for this variant (Variation ID: 880761). Invitae Evidence Modeling of protein sequence and biophysical properties (such as structural, functional, and spatial information, amino acid conservation, physicochemical variation, residue mobility, and thermodynamic stability) has been performed for this missense variant. However, the output from this modeling did not meet the statistical confidence thresholds required to predict the impact of this variant on ACADS protein function. In summary, the available evidence is currently insufficient to determine the role of this variant in disease. Therefore, it has been classified as a Variant of Uncertain Significance.

Illumina Laboratory Services, Illumina
Classification: Uncertain significance for Deficiency of butyryl-CoA dehydrogenase. Last evaluated: 2018-01-13. Review status: criteria provided, single submitter. Criteria: ICSL Variant Classification Criteria 13 December 2019. Collection method: clinical testing. Allele origin: germline.

NM_000017.4(ACADS):c.602C>T (p.Thr201Met)

Gene: ACADS (acyl-CoA dehydrogenase short chain; plus strand). Cytogenetic location: 12q24.31.
Variant type: single nucleotide variant.
Coding change: c.602C>T on transcript NM_000017.4 (MANE Select); coding-DNA position 602, C replaced by T.
Protein change: p.Thr201Met; replaces threonine 201 with methionine.
Molecular consequence: missense variant. On other transcripts: intron variant (1).
Genome position (GRCh38, 1-based): chr12:120,737,966, C>T. VCF-style: chr12-120737966-C-T. GRCh37 (hg19) VCF-style: chr12-121175769-C-T.
Other names: c.473-83C>T (NM_001302554.2); short protein forms T201M.
Identifiers: ClinVar variation 880761 (VCV000880761.6), dbSNP rs151059234, ClinGen allele CA6830942.